The following is an entry in ClinVar:

NM_004984.4(KIF5A):c.967C>T (p.Arg323Trp)

Gene: KIF5A (kinesin family member 5A; plus strand). Cytogenetic location: 12q13.3.
Variant type: single nucleotide variant.
Coding change: c.967C>T on transcript NM_004984.4 (MANE Select); coding-DNA position 967, C replaced by T.
Protein change: p.Arg323Trp; replaces arginine 323 with tryptophan.
Molecular consequence: missense variant.
Genome position (GRCh38, 1-based): chr12:57,569,403, C>T. VCF-style: chr12-57569403-C-T. GRCh37 (hg19) VCF-style: chr12-57963186-C-T.
Other names: c.700C>T, p.Arg234Trp (NM_001354705.2); c.967C>T (NM_004984.3); short protein forms R323W, R234W.
Identifiers: ClinVar variation 409666 (VCV000409666.51), dbSNP rs1012819766, ClinGen allele CA16613836.
Genomic context (GRCh38, chr12:57,569,403, plus strand): 5'-TGTTGCTCACCATCCAGTTATAATGATGCAGAGACCAAGTCCACCCTGATGTTTGGGCAG[C>T]GGTCAGTGGCAGGGTCCCCAGAGGGATCCCTGGTACCCAGCTTCCCATCCCAGCCTCTGC-3'
Protein context (NP_004975.2, residues 313-333): ETKSTLMFGQ[Arg323Trp]AKTIKNTASV

ClinVar aggregate classification (germline): Pathogenic/Likely pathogenic. Review status: criteria provided, multiple submitters, no conflicts (2 of 4 stars). 9 submissions from 9 submitters: Pathogenic (6); Likely pathogenic (2). 1 of the submissions does not count toward it. Last evaluated 2026-07-01.

Conditions:
Hereditary spastic paraplegia 10 (SPG10). Also called: SPASTIC PARAPLEGIA 10, AUTOSOMAL DOMINANT; SPASTIC PARAPLEGIA 10 WITH OR WITHOUT PERIPHERAL NEUROPATHY; SPASTIC PARAPLEGIA 10 WITH PERIPHERAL NEUROPATHY. Identifiers: Orphanet 100991, MedGen C1858712, MONDO:0011408, OMIM 604187.
Spastic paraplegia. Identifiers: MedGen C0037772, HP:0001258.
Hereditary spastic paraplegia. Also called: Familial spastic paraparesis. Identifiers: Orphanet 685, MedGen C0037773, MONDO:0019064. Disease mechanism: loss of function.

Allele frequency attached by ClinVar (database versions not stated): gnomAD 0.00001.
gnomAD v4.1: 2 of 1,613,834 alleles (0.00012%); highest among the groups gnomAD compares: Non-Finnish European, 0.000085%; no homozygotes.

Submissions (9):

CeGaT Center for Human Genetics Tuebingen
Classification: Pathogenic. Last evaluated: 2026-07-01. Review status: criteria provided, single submitter. Criteria: CeGaT Center For Human Genetics Tuebingen Variant Classification Criteria Version 2. Collection method: clinical testing. Allele origin: germline. Affected: yes. Observed: 2 variant alleles.
Comment: KIF5A: PS4, PM1, PM2, PM6:Supporting, PP2, PP3

Human Genetics Bochum, Ruhr University Bochum
Classification: Pathogenic for Hereditary spastic paraplegia 10. Last evaluated: 2025-11-03. Review status: criteria provided, single submitter. Criteria: ACMG Guidelines, 2015. Collection method: clinical testing. Allele origin: germline. Affected: yes.
Comment: ACMG criteria used to clasify this variant: PS4_MOD, PM1, PM5, PP3_MOD, PM2_SUP, PP2

Concord Molecular Medicine Laboratory, Concord Repatriation General Hospital
Classification: Likely pathogenic for Hereditary spastic paraplegia 10. Last evaluated: 2025-02-10. Review status: criteria provided, single submitter. Criteria: ACMG Guidelines, 2015. Collection method: clinical testing. Allele origin: germline. Inheritance: Autosomal dominant inheritance. Affected: yes. Observed: 1 heterozygote.
Comment: While the KIF5A gene is associated with spastic paraplegia, the c.967C>T variant has been reported to cause both spastic paraplegia and axonal neuropathy in multiple individuals. The variant is detected in control population database at a very low frequency (VAF 0.0001%, gnomAD v4.1.0). The variant is located within the kinesin motor domain (IPR001752). A different amino acid change at the same residue has been reported as likely pathogenic/variant of uncertain significance (CilnVar accession VCV001406446.7). In silico analysis suggests the variant to be pathogenic (REVEL 0.92).

Labcorp Genetics (formerly Invitae), Labcorp
Classification: Pathogenic for Spastic paraplegia. Last evaluated: 2025-01-15. Review status: criteria provided, single submitter. Criteria: Invitae Variant Classification Sherloc (09022015). Collection method: clinical testing. Allele origin: germline.
Comment: This sequence change replaces arginine, which is basic and polar, with tryptophan, which is neutral and slightly polar, at codon 323 of the KIF5A protein (p.Arg323Trp). The frequency data for this variant in the population databases is considered unreliable, as metrics indicate poor data quality at this position in the gnomAD database. This missense change has been observed in individual(s) with KIF5A-related conditions (PMID: 25695920, 31403080, 34715294, 34983064; internal data). In at least one individual the variant was observed to be de novo. ClinVar contains an entry for this variant (Variation ID: 409666). An algorithm developed to predict the effect of missense changes on protein structure and function (PolyPhen-2) suggests that this variant is likely to be disruptive. Algorithms developed to predict the effect of sequence changes on RNA splicing suggest that this variant may disrupt the consensus splice site. For these reasons, this variant has been classified as Pathogenic.

Victorian Clinical Genetics Services, Murdoch Childrens Research Institute
Classification: Pathogenic for Hereditary spastic paraplegia 10. Last evaluated: 2024-10-09. Review status: criteria provided, single submitter. Criteria: ACMG Guidelines, 2015. Collection method: clinical testing. Allele origin: germline. Inheritance: Autosomal dominant inheritance. Affected: yes.
Comment: Based on the classification scheme VCGS_Germline_v1.3.4, this variant is classified as Pathogenic. Following criteria are met: 0103 - Loss of function is a known mechanism, and dominant negative is a likely mechanism of disease in this gene and is associated with myoclonus, intractable, neonatal (NEIMY; MIM#617235) and spastic paraplegia 10 (SPG10; MIM#604187). Missense variants have been described in individuals with SPG10, whereas truncating variants in the last exon, or those resulting in protein elongation, have been reported in NEIMY cases (PMIDs: 18203753, 27463701, 28678816). (I) 0107 - This gene is associated with autosomal dominant disease. (I) 0200 - Variant is predicted to result in a missense amino acid change from arginine to tryptophan. (I) 0251 - This variant is heterozygous. (I) 0302 - Variant is present in gnomAD (v3) <0.001 for a dominant condition (1 heterozygote, 0 homozygotes). (SP) 0501 - Missense variant consistently predicted to be damaging by multiple in silico tools or highly conserved with a major amino acid change. (SP) 0600 - Variant is located in the annotated kinesin motor domain (DECIPHER). (I) 0708 - Another missense variant comparable to the one identified in this case has conflicting previous evidence for pathogenicity. p.(Arg323Gln) has been classified as likely pathogenic and a VUS by clinical laboratories in ClinVar and has been observed in an individual with spastic paraplegia in the literature (PMID: 37926714). (SP) 0801 - This variant has strong previous evidence of pathogenicity in unrelated individuals. This variant has been classified as pathogenic and a VUS by multiple clinical laboratories in ClinVar. It has also been observed in three individuals with spastic paraplegia in the literature, one of which was de novo, and another co-segregated in the probands affected child (PMIDs: 34715294, 25695920, 31403080). (SP) 1207 - Parental origin of the variant is unresolved. (I) Legend: (SP) - Supporting pathogenic, (I) - Information, (SB) - Supporting benign

Clinical Genetics Laboratory, Skane University Hospital Lund
Classification: Likely pathogenic. Last evaluated: 2024-01-26. Review status: criteria provided, single submitter. Criteria: ACMG Guidelines, 2015. Collection method: clinical testing. Allele origin: germline. Affected: yes.

Athena Diagnostics
Classification: Pathogenic. Last evaluated: 2022-06-06. Review status: criteria provided, single submitter. Criteria: Athena Diagnostics Criteria. Collection method: clinical testing. Allele origin: unknown.
Comment: The frequency of this variant in the general population is consistent with pathogenicity. This variant has been identified in multiple unrelated individuals, including a de novo case, with clinical features associated with this gene. Computational tools yielded predictions that this variant may interfere with normal RNA splicing.

Paris Brain Institute, Inserm - ICM
Classification: Pathogenic for Hereditary spastic paraplegia 10. Review status: criteria provided, single submitter. Criteria: ACMG Guidelines, 2015. Collection method: clinical testing. Allele origin: unknown. Affected: yes. Observed: 1 variant allele.

Genome Diagnostics Laboratory, The Hospital for Sick Children
Classification: Uncertain significance for Hereditary spastic paraplegia. Last evaluated: 2020-04-01. Review status: flagged submission. Criteria: ACMG Guidelines, 2015. Collection method: clinical testing. Allele origin: germline. Affected: yes. Not counted in ClinVar's aggregate classification.
ClinVar note: Reason: Older and outlier claim with insufficient supporting evidence

Literature cited by the submitters: PubMed 25695920 (cited by 5 submitters); PubMed 31403080 (cited by 5 submitters); PubMed 34715294 (cited by 5 submitters); PubMed 34983064 (cited by Labcorp Genetics (formerly Invitae), Labcorp); PubMed 18203753 (cited by Victorian Clinical Genetics Services, Murdoch Childrens Research Institute); PubMed 27463701 (cited by Victorian Clinical Genetics Services, Murdoch Childrens Research Institute); PubMed 28678816 (cited by Victorian Clinical Genetics Services, Murdoch Childrens Research Institute); PubMed 37926714 (cited by Victorian Clinical Genetics Services, Murdoch Childrens Research Institute); PubMed 33310205 (cited by Athena Diagnostics).